The following is an entry in ClinVar:

ClinVar aggregate classification (germline): Benign/Likely benign. Review status: criteria provided, multiple submitters, no conflicts (2 of 4 stars). 2 submissions from 2 submitters: Benign (1); Likely benign (1). Last evaluated 2026-09-01.

Allele frequency attached by ClinVar (database versions not stated): gnomAD exomes 0.00028 and 0.00083; ExAC 0.00115; 1000 Genomes Project 0.00180; 1000 Genomes Project 30x 0.00250; gnomAD 0.00328 and 0.00356; TOPMed 0.00362; ESP Exome Variant Server 0.00423.
gnomAD v4.1: 919 of 1,614,164 alleles (0.057%); highest among the groups gnomAD compares: African/African-American, 1.1%; 3 homozygotes.

Submissions (2):

CeGaT Center for Human Genetics Tuebingen
Classification: Likely benign. Last evaluated: 2026-09-01. Review status: criteria provided, single submitter. Criteria: CeGaT Center For Human Genetics Tuebingen Variant Classification Criteria Version 2. Collection method: clinical testing. Allele origin: germline. Affected: yes. Observed: 1 variant allele.
Comment: ROS1: BP4, BP7, BS1

Labcorp Genetics (formerly Invitae), Labcorp
Classification: Benign. Last evaluated: 2019-12-31. Review status: criteria provided, single submitter. Criteria: Invitae Variant Classification Sherloc (09022015). Collection method: clinical testing. Allele origin: germline.

NM_001378902.1(ROS1):c.2151G>A (p.Thr717=)

Gene: ROS1 (ROS proto-oncogene 1, receptor tyrosine kinase; minus strand). Cytogenetic location: 6q22.1.
Variant type: single nucleotide variant.
Coding change: c.2151G>A on transcript NM_001378902.1 (MANE Select); coding-DNA position 2151, G replaced by A.
Protein change: p.Thr717=; no amino-acid change (threonine 717 retained).
Molecular consequence: synonymous variant.
Genome position (GRCh38, 1-based): chr6:117,385,821, C>T on the plus strand (G>A on the coding strand, the complement: ROS1 is on the minus strand). VCF-style: chr6-117385821-C-T. GRCh37 (hg19) VCF-style: chr6-117706984-C-T.
Other names: c.2151G>A, p.Thr717= (NM_001378891.1); c.2166G>A, p.Thr722= (NM_002944.3).
Identifiers: ClinVar variation 716139 (VCV000716139.5), dbSNP rs55944128, ClinGen allele CA3975356.